The following is an entry in ClinVar:

NM_017841.4(SDHAF2):c.349G>A (p.Asp117Asn)

Gene: SDHAF2 (succinate dehydrogenase complex assembly factor 2; plus strand). Cytogenetic location: 11q12.2.
Variant type: single nucleotide variant.
Coding change: c.349G>A on transcript NM_017841.4 (MANE Select); coding-DNA position 349, G replaced by A.
Protein change: p.Asp117Asn; replaces aspartic acid 117 with asparagine.
Molecular consequence: missense variant.
Genome position (GRCh38, 1-based): chr11:61,438,092, G>A. VCF-style: chr11-61438092-G-A. GRCh37 (hg19) VCF-style: chr11-61205564-G-A.
Other names: short protein forms D117N.
Identifiers: ClinVar variation 1732027 (VCV001732027.9), dbSNP rs1862016888, ClinGen allele CA380684208.

ClinVar aggregate classification (germline): Uncertain significance. Review status: criteria provided, multiple submitters, no conflicts (2 of 4 stars). 3 submissions from 3 submitters: Uncertain significance (3). Last evaluated 2025-12-09.

Conditions:
Hereditary cancer-predisposing syndrome. Also called: Neoplastic Syndromes, Hereditary; Tumor predisposition; Hereditary Cancer Syndrome; Hereditary neoplastic syndrome. Identifiers: Orphanet 140162, MedGen C0027672, MeSH D009386, MONDO:0015356.
Hereditary pheochromocytoma and paraganglioma. Also called: Hereditary pheochromocytoma-paraganglioma; Hereditary paragangliomas and pheochromocytomas; Hereditary Paraganglioma-Pheochromocytoma Syndromes. Identifiers: Orphanet 29072, MedGen C4274332, MONDO:0017366.

Submissions (3):

Ambry Genetics
Classification: Uncertain significance for Hereditary cancer-predisposing syndrome. Last evaluated: 2025-12-09. Review status: criteria provided, single submitter. Criteria: Ambry Variant Classification Scheme 2023. Collection method: clinical testing. Allele origin: germline.
Comment: The p.D117N variant (also known as c.349G>A), located in coding exon 3 of the SDHAF2 gene, results from a G to A substitution at nucleotide position 349. The aspartic acid at codon 117 is replaced by asparagine, an amino acid with highly similar properties. This amino acid position is highly conserved in available vertebrate species. In addition, the in silico prediction for this alteration is inconclusive. Based on the available evidence, the clinical significance of this variant remains unclear.

All of Us Research Program, National Institutes of Health
Classification: Uncertain significance for Hereditary pheochromocytoma and paraganglioma. Last evaluated: 2023-05-31. Review status: criteria provided, single submitter. Criteria: ACMG Guidelines, 2015. Collection method: clinical testing. Allele origin: germline. Inheritance: Autosomal dominant inheritance. Observed: 1 variant allele, 1 heterozygote.
Comment: This study involves interpretation of variants in research participants for the purpose of population health screening. Participant phenotype was not available at the time of variant classification. Additional details can be found in publication PMID: 35346344, PMCID: PMC8962531

Labcorp Genetics (formerly Invitae), Labcorp
Classification: Uncertain significance for Hereditary pheochromocytoma and paraganglioma. Last evaluated: 2022-06-24. Review status: criteria provided, single submitter. Criteria: Invitae Variant Classification Sherloc (09022015). Collection method: clinical testing. Allele origin: germline.
Comment: This sequence change replaces aspartic acid, which is acidic and polar, with asparagine, which is neutral and polar, at codon 117 of the SDHAF2 protein (p.Asp117Asn). This variant is not present in population databases (gnomAD no frequency). In summary, the available evidence is currently insufficient to determine the role of this variant in disease. Therefore, it has been classified as a Variant of Uncertain Significance. Algorithms developed to predict the effect of missense changes on protein structure and function are either unavailable or do not agree on the potential impact of this missense change (SIFT: "Deleterious"; PolyPhen-2: "Probably Damaging"; Align-GVGD: "Class C15"). This variant has not been reported in the literature in individuals affected with SDHAF2-related conditions.